The following is an entry in ClinVar:

ClinVar aggregate classification (germline): Pathogenic (1 of 4 stars; one submission).

Submission:

ISCA site 4
Classification: Pathogenic. Last evaluated: 2011-08-12. Review status: criteria provided, single submitter. Criteria: Kaminsky et al. (Genet Med. 2011). Collection method: clinical testing. Allele origin: unknown. Affected: yes. Observed: 1 variant allele.
Comment: Copy number variation identified through the course of routine clinical cytogenomic testing in postnatal populations. Clinical assertions have been curated as described in Kaminsky et al. 2011.

GRCh38/hg38 Xq21.1(chrX:77784830-78691660)x2

Genes: ATP7A (ATPase copper transporting alpha; plus strand), ATRX (ATRX chromatin remodeler; minus strand), COX7B (cytochrome c oxidase subunit 7B; plus strand), CYSLTR1 (cysteinyl leukotriene receptor 1; minus strand), MAGT1 (magnesium transporter 1; minus strand) and 17 more. Cytogenetic location: Xq21.1.
Variant type: copy number gain.
Change: copy number 2 of chrX:77,784,830-78,691,660 (906.8 kb, GRCh38 coordinates, 1-based), cytogenetic band Xq21.1.
Identifiers: ClinVar variation 57068 (VCV000057068.1).